The following is an entry in ClinVar:

ClinVar aggregate classification (germline): Uncertain significance. Review status: criteria provided, multiple submitters, no conflicts (2 of 4 stars). 2 submissions from 2 submitters: Uncertain significance (2). Last evaluated 2024-08-27.

Conditions:
Primary ciliary dyskinesia. Also called: Ciliary dyskinesia. Identifiers: Orphanet 244, MedGen C0008780, MONDO:0016575, HP:0012265.

Allele frequency attached by ClinVar (database versions not stated): gnomAD 0.00001.
gnomAD v4.1: 4 of 1,566,230 alleles (0.00026%); highest among the groups gnomAD compares: Non-Finnish European, 0.00035%; no homozygotes.

Submissions (2):

Ambry Genetics
Classification: Uncertain significance for Primary ciliary dyskinesia. Last evaluated: 2024-08-27. Review status: criteria provided, single submitter. Criteria: Ambry Variant Classification Scheme 2023. Collection method: clinical testing. Allele origin: germline.

Labcorp Genetics (formerly Invitae), Labcorp
Classification: Uncertain significance for Primary ciliary dyskinesia. Last evaluated: 2022-10-02. Review status: criteria provided, single submitter. Criteria: Invitae Variant Classification Sherloc (09022015). Collection method: clinical testing. Allele origin: germline.
Comment: In summary, the available evidence is currently insufficient to determine the role of this variant in disease. Therefore, it has been classified as a Variant of Uncertain Significance. Advanced modeling of protein sequence and biophysical properties (such as structural, functional, and spatial information, amino acid conservation, physicochemical variation, residue mobility, and thermodynamic stability) performed at Invitae indicates that this missense variant is not expected to disrupt DNAAF2 protein function. This variant has not been reported in the literature in individuals affected with DNAAF2-related conditions. This variant is present in population databases (no rsID available, gnomAD 0.001%). This sequence change replaces proline, which is neutral and non-polar, with arginine, which is basic and polar, at codon 241 of the DNAAF2 protein (p.Pro241Arg).

NM_018139.3(DNAAF2):c.722C>G (p.Pro241Arg)

Gene: DNAAF2 (dynein axonemal assembly factor 2; minus strand). Cytogenetic location: 14q21.3.
Variant type: single nucleotide variant.
Coding change: c.722C>G on transcript NM_018139.3 (MANE Select); coding-DNA position 722, C replaced by G.
Protein change: p.Pro241Arg; replaces proline 241 with arginine.
Molecular consequence: missense variant.
Genome position (GRCh38, 1-based): chr14:49,634,428, G>C on the plus strand (C>G on the coding strand, the complement: DNAAF2 is on the minus strand). VCF-style: chr14-49634428-G-C. GRCh37 (hg19) VCF-style: chr14-50101146-G-C.
Other names: c.722C>G (NM_018139.2); c.722C>G, p.Pro241Arg (NM_001083908.2); short protein forms P241R.
Identifiers: ClinVar variation 2139207 (VCV002139207.5), dbSNP rs1409403452, ClinGen allele CA389630820.